The following is an entry in ClinVar:

ClinVar aggregate classification (germline): Uncertain significance. Review status: criteria provided, multiple submitters, no conflicts (2 of 4 stars). 2 submissions from 2 submitters: Uncertain significance (2). Last evaluated 2023-04-25.

Submissions (2):

Blueprint Genetics
Classification: Uncertain significance. Last evaluated: 2023-04-25. Review status: criteria provided, single submitter. Criteria: ACMG Guidelines, 2015. Collection method: clinical testing. Allele origin: germline.

Labcorp Genetics (formerly Invitae), Labcorp
Classification: Uncertain significance. Last evaluated: 2021-09-01. Review status: criteria provided, single submitter. Criteria: Invitae Variant Classification Sherloc (09022015). Collection method: clinical testing. Allele origin: germline.
Comment: This sequence change replaces arginine with leucine at codon 209 of the TTLL5 protein (p.Arg209Leu). The arginine residue is highly conserved and there is a moderate physicochemical difference between arginine and leucine. This variant is not present in population databases (ExAC no frequency). This variant has not been reported in the literature in individuals affected with TTLL5-related conditions. Algorithms developed to predict the effect of missense changes on protein structure and function are either unavailable or do not agree on the potential impact of this missense change (SIFT: "Deleterious"; PolyPhen-2: "Benign"; Align-GVGD: "Class C35"). In summary, the available evidence is currently insufficient to determine the role of this variant in disease. Therefore, it has been classified as a Variant of Uncertain Significance.

NM_015072.5(TTLL5):c.626G>T (p.Arg209Leu)

Gene: TTLL5 (tubulin tyrosine ligase like 5; plus strand). Cytogenetic location: 14q24.3.
Variant type: single nucleotide variant.
Coding change: c.626G>T on transcript NM_015072.5 (MANE Select); coding-DNA position 626, G replaced by T.
Protein change: p.Arg209Leu; replaces arginine 209 with leucine.
Molecular consequence: missense variant.
Genome position (GRCh38, 1-based): chr14:75,707,058, G>T. VCF-style: chr14-75707058-G-T. GRCh37 (hg19) VCF-style: chr14-76173401-G-T.
Other names: short protein forms R209L.
Identifiers: ClinVar variation 1000740 (VCV001000740.7), dbSNP rs781617968, ClinGen allele CA390456689.
Genomic context (GRCh38, chr14:75,707,058, plus strand): 5'-TCTTTCTCTTTACTCAATAGCCAAACCAGATCTCCCTGGAAGAGAACATTTTGGTCTCCC[G>T]TTACATTAACAACCCCCTGCTCATAGATGGTGAGTTGTGATTAGGCCCTTGACCAAATTG-3'
Protein context (NP_055887.3, residues 199-219): ISLEENILVS[Arg209Leu]YINNPLLIDD